The following is an entry in ClinVar:

ClinVar aggregate classification (germline): Uncertain significance (1 of 4 stars; one submission).

Submission:

GeneDx
Classification: Uncertain significance. Last evaluated: 2022-06-19. Review status: criteria provided, single submitter. Criteria: GeneDx Variant Classification Process June 2021. Collection method: clinical testing. Allele origin: germline. Affected: yes.
Comment: Not observed at significant frequency in large population cohorts (gnomAD); In-frame deletion of 1 amino acids in a non-repeat region; In silico analysis supports a deleterious effect on protein structure/function; Has not been previously published as pathogenic or benign to our knowledge

NM_016284.5(CNOT1):c.5922_5924del (p.Leu1975del)

Gene: CNOT1 (CCR4-NOT transcription complex subunit 1; minus strand). Cytogenetic location: 16q21.
Variant type: Deletion.
Coding change: c.5922_5924del on transcript NM_016284.5 (MANE Select); coding-DNA positions 5922 to 5924, 3 bases deleted (CCT; older notation c.5922_5924delCCT).
Protein change: p.Leu1975del; deletes leucine 1975.
Molecular consequence: inframe deletion. On other transcripts: non-coding transcript variant (1).
Genome position (GRCh38, 1-based): chr16:58,532,367-58,532,369, AGG deleted on the plus strand (CCT on the coding strand, the reverse complement: CNOT1 is on the minus strand); deleting any 3 consecutive bases within chr16:58,532,367-58,532,371 gives the same sequence; the c. name uses the placement nearest the transcript's 3' end. VCF-style (leftmost placement, unchanged base first): chr16-58532366-AAGG-A. GRCh37 (hg19) VCF-style: chr16-58566270-AAGG-A.
Other names: c.5907_5909del, p.Leu1970del (NM_001265612.2); short protein forms L1970del, L1975del.
Identifiers: ClinVar variation 1804580 (VCV001804580.1), dbSNP rs2543847061, ClinGen allele CA2580091740.